The following is an entry in ClinVar:

NM_000341.4(SLC3A1):c.478G>T (p.Val160Phe)

Gene: SLC3A1 (solute carrier family 3 member 1; plus strand). Cytogenetic location: 2p21.
Variant type: single nucleotide variant.
Coding change: c.478G>T on transcript NM_000341.4 (MANE Select); coding-DNA position 478, G replaced by T.
Protein change: p.Val160Phe; replaces valine 160 with phenylalanine.
Molecular consequence: missense variant.
Genome position (GRCh38, 1-based): chr2:44,280,763, G>T. VCF-style: chr2-44280763-G-T. GRCh37 (hg19) VCF-style: chr2-44507902-G-T.
Other names: short protein forms V160F.
Identifiers: ClinVar variation 1710014 (VCV001710014.2), dbSNP rs886056068, ClinGen allele CA346688094.
Genomic context (GRCh38, chr2:44,280,763, plus strand): 5'-CTTTTTTCTTCAGGTATTCAAGATAAACTGGACTACATCACAGCTTTAAATATAAAAACT[G>T]TTTGGATTACTTCATTTTATAAATCGTCCCTTAAAGATTTCAGATATGGTGTTGAAGATT-3'
Protein context (NP_000332.2, residues 150-170): DYITALNIKT[Val160Phe]WITSFYKSSL

ClinVar aggregate classification (germline): Uncertain significance (1 of 4 stars; one submission).

Conditions:
Cystinuria (CSNU). Also called: CYSTINURIA, TYPE I; CYSTINURIA, TYPE II; CYSTINURIA, TYPE III; Cystinuria, non-type I. Identifiers: Orphanet 214, MedGen C0010691, MONDO:0009067, OMIM 220100, HP:0003131.

gnomAD v4.1: 1 of 1,611,728 alleles (0.000062%); highest among the groups gnomAD compares: Non-Finnish European, 0.000085%; no homozygotes.

Submission:

MGZ Medical Genetics Center
Classification: Uncertain significance for Cystinuria. Last evaluated: 2021-10-08. Review status: criteria provided, single submitter. Criteria: ACMG Guidelines, 2015. Collection method: clinical testing. Allele origin: germline. Affected: yes. Observed: 1 variant allele.
Comment: ACMG criteria applied: PM2_SUP, PP3